The following is an entry in ClinVar:

ClinVar aggregate classification (germline): Benign. Review status: reviewed by expert panel (3 of 4 stars). 2 submissions from 2 submitters: Benign (1). 1 of the submissions does not count toward it. Last evaluated 2025-07-16.

Conditions:
Monogenic diabetes. Identifiers: Orphanet 183625, MedGen C3888631, MONDO:0015967.

gnomAD v4.1: 19 of 1,614,098 alleles (0.0012%); highest among the groups gnomAD compares: Middle Eastern, 0.049%; no homozygotes.

Submissions (2):

ClinGen Monogenic Diabetes Variant Curation Expert Panel
Classification: Benign for Monogenic diabetes. Last evaluated: 2025-07-16. Review status: reviewed by expert panel. Criteria: ClinGen Diabetes ACMG Specifications HNF4A V3.0.0. Collection method: curation. Allele origin: germline. Inheritance: Autosomal dominant inheritance.
Comment: The c.1012C>G variant in the hepatocyte nuclear factor 4-alpha gene, HNF4A, causes an amino acid change of leucine to valine at codon 338 (p.(Leu338Val)) of NM_175914.5. This variant has a Grpmax Filtering allele frequency in gnomAD v4.1.0 of 0.00013403, which is greater than the MDEP threshold for BA1 (0.0001) (BA1). In summary, c.1012C>G meets the criteria to be classified as benign for monogenic diabetes. ACMG/AMP criteria applied, as specified by the ClinGen MDEP (specification version 3.0.0, approved 6/30/2025): BA1.

Labcorp Genetics (formerly Invitae), Labcorp
Classification: Uncertain significance. Last evaluated: 2025-06-15. Review status: criteria provided, single submitter. Criteria: Invitae Variant Classification Sherloc (09022015). Collection method: clinical testing. Allele origin: germline. Not counted in ClinVar's aggregate classification.
Comment: This sequence change replaces leucine, which is neutral and non-polar, with valine, which is neutral and non-polar, at codon 338 of the HNF4A protein (p.Leu338Val). This variant is present in population databases (rs776656815, gnomAD 0.01%). This variant has not been reported in the literature in individuals affected with HNF4A-related conditions. Invitae Evidence Modeling of protein sequence and biophysical properties (such as structural, functional, and spatial information, amino acid conservation, physicochemical variation, residue mobility, and thermodynamic stability) has been performed for this missense variant. However, the output from this modeling did not meet the statistical confidence thresholds required to predict the impact of this variant on HNF4A protein function. In summary, the available evidence is currently insufficient to determine the role of this variant in disease. Therefore, it has been classified as a Variant of Uncertain Significance.

NM_175914.5(HNF4A):c.1012C>G (p.Leu338Val)

Gene: HNF4A (hepatocyte nuclear factor 4 alpha; plus strand). Cytogenetic location: 20q13.12.
Variant type: single nucleotide variant.
Coding change: c.1012C>G on transcript NM_175914.5 (MANE Select); coding-DNA position 1012, C replaced by G.
Protein change: p.Leu338Val; replaces leucine 338 with valine.
Molecular consequence: missense variant.
Genome position (GRCh38, 1-based): chr20:44,424,203, C>G. VCF-style: chr20-44424203-C-G. GRCh37 (hg19) VCF-style: chr20-43052843-C-G.
Other names: NM_175914.5:c.1012C>G; c.1078C>G, p.Leu360Val (NM_000457.6, NM_178849.3, NM_178850.3); c.1012C>G, p.Leu338Val (NM_001030003.3, NM_001030004.3); c.1057C>G, p.Leu353Val (NM_001258355.2); c.1003C>G, p.Leu335Val (NM_001287182.2, NM_001287183.2, NM_001287184.2); short protein forms L335V, L338V, L353V, L360V.
Identifiers: ClinVar variation 4071503 (VCV004071503.2).